The following is an entry in ClinVar:

NM_000548.5(TSC2):c.1555T>G (p.Cys519Gly)

Gene: TSC2 (TSC complex subunit 2; plus strand). Cytogenetic location: 16p13.3.
Variant type: single nucleotide variant.
Coding change: c.1555T>G on transcript NM_000548.5 (MANE Select); coding-DNA position 1555, T replaced by G.
Protein change: p.Cys519Gly; replaces cysteine 519 with glycine.
Molecular consequence: missense variant.
Genome position (GRCh38, 1-based): chr16:2,064,383, T>G. VCF-style: chr16-2064383-T-G. GRCh37 (hg19) VCF-style: chr16-2114384-T-G.
Other names: c.1555T>G, p.Cys519Gly (NM_001077183.3, NM_001114382.3, NM_001363528.2 and 3 more transcripts); c.1444T>G, p.Cys482Gly (NM_001318827.2); c.1408T>G, p.Cys470Gly (NM_001318829.2); c.955T>G, p.Cys319Gly (NM_001318831.2); c.1588T>G, p.Cys530Gly (NM_001318832.2); short protein forms C470G, C319G, C482G, C519G, C530G.
Identifiers: ClinVar variation 963958 (VCV000963958.13), dbSNP rs1156554876, ClinGen allele CA394326474.

ClinVar aggregate classification (germline): Uncertain significance. Review status: criteria provided, multiple submitters, no conflicts (2 of 4 stars). 3 submissions from 3 submitters: Uncertain significance (3). Last evaluated 2024-05-20.

Conditions:
Hereditary cancer-predisposing syndrome. Also called: Hereditary neoplastic syndrome; Tumor predisposition; Neoplastic Syndromes, Hereditary; Hereditary Cancer Syndrome. Identifiers: Orphanet 140162, MedGen C0027672, MeSH D009386, MONDO:0015356.
Tuberous sclerosis 2 (TSC2). Identifiers: Orphanet 805, MedGen C1860707, MONDO:0013199, OMIM 613254.

Allele frequency attached by ClinVar (database versions not stated): TOPMed 0.00001.

Submissions (3):

GeneDx
Classification: Uncertain significance. Last evaluated: 2024-05-20. Review status: criteria provided, single submitter. Criteria: GeneDx Variant Classification Process June 2021. Collection method: clinical testing. Allele origin: germline. Affected: yes.
Comment: Not observed at significant frequency in large population cohorts (gnomAD); In silico analysis supports that this missense variant has a deleterious effect on protein structure/function; Has not been previously published as pathogenic or benign to our knowledge

Labcorp Genetics (formerly Invitae), Labcorp
Classification: Uncertain significance for Tuberous sclerosis 2. Last evaluated: 2023-12-02. Review status: criteria provided, single submitter. Criteria: Invitae Variant Classification Sherloc (09022015). Collection method: clinical testing. Allele origin: germline.
Comment: This sequence change replaces cysteine, which is neutral and slightly polar, with glycine, which is neutral and non-polar, at codon 519 of the TSC2 protein (p.Cys519Gly). This variant is not present in population databases (gnomAD no frequency). This variant has not been reported in the literature in individuals affected with TSC2-related conditions. ClinVar contains an entry for this variant (Variation ID: 963958). Advanced modeling of protein sequence and biophysical properties (such as structural, functional, and spatial information, amino acid conservation, physicochemical variation, residue mobility, and thermodynamic stability) performed at Invitae indicates that this missense variant is not expected to disrupt TSC2 protein function with a negative predictive value of 95%. In summary, the available evidence is currently insufficient to determine the role of this variant in disease. Therefore, it has been classified as a Variant of Uncertain Significance.

Ambry Genetics
Classification: Uncertain significance for Hereditary cancer-predisposing syndrome. Last evaluated: 2022-08-23. Review status: criteria provided, single submitter. Criteria: Ambry Variant Classification Scheme 2023. Collection method: clinical testing. Allele origin: germline.
Comment: The p.C519G variant (also known as c.1555T>G), located in coding exon 14 of the TSC2 gene, results from a T to G substitution at nucleotide position 1555. The cysteine at codon 519 is replaced by glycine, an amino acid with highly dissimilar properties. This amino acid position is conserved. In addition, this alteration is predicted to be deleterious by in silico analysis. Since supporting evidence is limited at this time, the clinical significance of this alteration remains unclear.